The following is an entry in ClinVar:

ClinVar aggregate classification (germline): Uncertain significance (1 of 4 stars; one submission).

Conditions:
Absence seizure. Also called: Absence epilepsy. Identifiers: Orphanet 1941, MedGen C0014553.
Myoclonic epilepsy, juvenile, susceptibility to, 1. Also called: Myoclonic Epilepsy, Juvenile, 1; EJM1. Identifiers: MedGen C1850778, MONDO:0020752, OMIM 254770.

Submission:

Labcorp Genetics (formerly Invitae), Labcorp
Classification: Uncertain significance for Myoclonic epilepsy, juvenile, susceptibility to, 1; Absence seizure. Last evaluated: 2020-03-06. Review status: criteria provided, single submitter. Criteria: Invitae Variant Classification Sherloc (09022015). Collection method: clinical testing. Allele origin: germline.
Comment: In summary, the available evidence is currently insufficient to determine the role of this variant in disease. Therefore, it has been classified as a Variant of Uncertain Significance. Algorithms developed to predict the effect of missense changes on protein structure and function are either unavailable or do not agree on the potential impact of this missense change (SIFT: "Tolerated"; PolyPhen-2: "Probably Damaging"; Align-GVGD: "Class C15"). This variant has not been reported in the literature in individuals with EFHC1-related conditions. This variant is not present in population databases (ExAC no frequency). This sequence change replaces histidine with tyrosine at codon 164 of the EFHC1 protein (p.His164Tyr). The histidine residue is highly conserved and there is a moderate physicochemical difference between histidine and tyrosine.

NM_018100.4(EFHC1):c.490C>T (p.His164Tyr)

Gene: EFHC1 (EF-hand domain containing 1; plus strand). Cytogenetic location: 6p12.2.
Variant type: single nucleotide variant.
Coding change: c.490C>T on transcript NM_018100.4 (MANE Select); coding-DNA position 490, C replaced by T.
Protein change: p.His164Tyr; replaces histidine 164 with tyrosine.
Molecular consequence: missense variant. On other transcripts: non-coding transcript variant (1).
Genome position (GRCh38, 1-based): chr6:52,438,508, C>T. VCF-style: chr6-52438508-C-T. GRCh37 (hg19) VCF-style: chr6-52303306-C-T.
Other names: c.433C>T, p.His145Tyr (NM_001172420.2); short protein forms H145Y, H164Y.
Identifiers: ClinVar variation 1035975 (VCV001035975.48), dbSNP rs995402027, ClinGen allele CA138992491.